The following is an entry in ClinVar:

ClinVar aggregate classification (germline): Conflicting classifications of pathogenicity. Review status: criteria provided, conflicting classifications (1 of 4 stars). 5 submissions from 5 submitters: Uncertain significance (3); Likely benign (2). Last evaluated 2025-10-03.

Conditions:
Agammaglobulinemia 4, autosomal recessive (AGM4). Also called: AGAMMAGLOBULINEMIA, AUTOSOMAL RECESSIVE, DUE TO BLNK DEFECT; B cell linker protein deficiency. Identifiers: MedGen C3150752, MONDO:0013289, OMIM 613502.
Inborn genetic diseases. Identifiers: MedGen C0950123, MeSH D030342.

Allele frequency attached by ClinVar (database versions not stated): gnomAD exomes 0.00054 and 0.00033; TOPMed 0.00026; ExAC 0.00036; gnomAD 0.00040 and 0.00041; ESP Exome Variant Server 0.00054.
gnomAD v4.1: 832 of 1,613,848 alleles (0.052%); highest among the groups gnomAD compares: Non-Finnish European, 0.064%; 1 homozygote.

Submissions (5):

Labcorp Genetics (formerly Invitae), Labcorp
Classification: Uncertain significance for Agammaglobulinemia 4, autosomal recessive. Last evaluated: 2025-10-03. Review status: criteria provided, single submitter. Criteria: Invitae Variant Classification Sherloc (09022015). Collection method: clinical testing. Allele origin: germline.
Comment: This sequence change replaces valine, which is neutral and non-polar, with isoleucine, which is neutral and non-polar, at codon 341 of the BLNK protein (p.Val341Ile). This variant is present in population databases (rs144826995, gnomAD 0.07%). This variant has not been reported in the literature in individuals affected with BLNK-related conditions. ClinVar contains an entry for this variant (Variation ID: 568111). Invitae Evidence Modeling of protein sequence and biophysical properties (such as structural, functional, and spatial information, amino acid conservation, physicochemical variation, residue mobility, and thermodynamic stability) indicates that this missense variant is not expected to disrupt BLNK protein function with a negative predictive value of 80%. In summary, the available evidence is currently insufficient to determine the role of this variant in disease. Therefore, it has been classified as a Variant of Uncertain Significance.

Blueprint Genetics
Classification: Likely benign. Last evaluated: 2024-10-21. Review status: criteria provided, single submitter. Criteria: ACMG Guidelines, 2015. Collection method: clinical testing. Allele origin: germline.

CeGaT Center for Human Genetics Tuebingen
Classification: Likely benign. Last evaluated: 2024-07-01. Review status: criteria provided, single submitter. Criteria: CeGaT Center For Human Genetics Tuebingen Variant Classification Criteria Version 2. Collection method: clinical testing. Allele origin: germline. Affected: yes. Observed: 1 variant allele.
Comment: BLNK: BP4

GeneDx
Classification: Uncertain significance. Last evaluated: 2022-08-30. Review status: criteria provided, single submitter. Criteria: GeneDx Variant Classification Process June 2021. Collection method: clinical testing. Allele origin: germline. Affected: yes.
Comment: In silico analysis supports that this missense variant does not alter protein structure/function; Has not been previously published as pathogenic or benign to our knowledge

Ambry Genetics
Classification: Uncertain significance for Inborn genetic diseases. Last evaluated: 2021-09-21. Review status: criteria provided, single submitter. Criteria: Ambry Variant Classification Scheme 2023. Collection method: clinical testing. Allele origin: germline.

NM_013314.4(BLNK):c.1021G>A (p.Val341Ile)

Genes: BLNK (B cell linker; minus strand), ZNF518A (zinc finger protein 518A; plus strand). Cytogenetic location: 10q24.1.
Variant type: single nucleotide variant.
Coding change: c.1021G>A on transcript NM_013314.4 (MANE Select); coding-DNA position 1021, G replaced by A.
Protein change: p.Val341Ile; replaces valine 341 with isoleucine.
Molecular consequence: missense variant. On other transcripts: non-coding transcript variant (4).
Genome position (GRCh38, 1-based): chr10:96,200,149, C>T on the plus strand (G>A on the coding strand, the complement: BLNK is on the minus strand). VCF-style: chr10-96200149-C-T. GRCh37 (hg19) VCF-style: chr10-97959905-C-T.
Other names: c.952G>A, p.Val318Ile (NM_001114094.2, NM_001258441.2); c.1021G>A, p.Val341Ile (NM_001258440.2); c.706G>A, p.Val236Ile (NM_001258442.2); short protein forms V341I, V236I, V318I.
Identifiers: ClinVar variation 568111 (VCV000568111.28), dbSNP rs144826995, ClinGen allele CA5623210.
Genomic context (GRCh38, chr10:96,200,149, plus strand): 5'-GCAATGCCTCTTCAGCAGACTTTCGATCACAGGCTCCAGCATACCATGGCTTGCAGAGAA[C>T]GCCAGCTTCCTGTGAAATGGAGGGCACTGGTCAGCATGGGATGGTCCCTACTTAACTCTA-3'
Protein context (NP_037446.1, residues 331-351): NSTISEQEAG[Val341Ile]LCKPWYAGAC